The following is an entry in ClinVar:

ClinVar aggregate classification (germline): Uncertain significance (1 of 4 stars; one submission).

Conditions:
Inborn genetic diseases. Identifiers: MedGen C0950123, MeSH D030342.

gnomAD v4.1: 4 of 1,613,986 alleles (0.00025%); highest among the groups gnomAD compares: Non-Finnish European, 0.00034%; no homozygotes.

Submission:

Ambry Genetics
Classification: Uncertain significance for Inborn genetic diseases. Last evaluated: 2024-04-10. Review status: criteria provided, single submitter. Criteria: Ambry Variant Classification Scheme 2023. Collection method: clinical testing. Allele origin: germline.
Comment: The p.Q1111R variant (also known as c.3332A>G), located in coding exon 24 of the LRRK2 gene, results from an A to G substitution at nucleotide position 3332. The glutamine at codon 1111 is replaced by arginine, an amino acid with highly similar properties. This amino acid position is conserved. In addition, this alteration is predicted to be tolerated by in silico analysis. Based on the available evidence, the clinical significance of this variant remains unclear.

NM_198578.4(LRRK2):c.3332A>G (p.Gln1111Arg)

Gene: LRRK2 (leucine rich repeat kinase 2; plus strand). Cytogenetic location: 12q12.
Variant type: single nucleotide variant.
Coding change: c.3332A>G on transcript NM_198578.4 (MANE Select); coding-DNA position 3332, A replaced by G.
Protein change: p.Gln1111Arg; replaces glutamine 1111 with arginine.
Molecular consequence: missense variant.
Genome position (GRCh38, 1-based): chr12:40,298,478, A>G. VCF-style: chr12-40298478-A-G. GRCh37 (hg19) VCF-style: chr12-40692280-A-G.
Other names: short protein forms Q1111R.
Identifiers: ClinVar variation 3291899 (VCV003291899.1).
Genomic context (GRCh38, chr12:40,298,478, plus strand): 5'-CATATAACCAGCTGTCTTTTGTACCTGAGAACCTCACTGATGTGGTAGAGAAACTGGAGC[A>G]GCTCATTTTAGAAGGGTAAGAAAGAGCTCATTAAAAATAAAAGGGTTGCCTAAATATGCT-3'
Protein context (NP_940980.4, residues 1101-1121): NLTDVVEKLE[Gln1111Arg]LILEGNKISG